The following is an entry in ClinVar:

ClinVar aggregate classification (germline): Conflicting classifications of pathogenicity. Review status: criteria provided, conflicting classifications (1 of 4 stars). 8 submissions from 8 submitters: Uncertain significance (7); Likely benign (1). Last evaluated 2026-01-02.

Conditions:
Arrhythmogenic right ventricular dysplasia 5. Also called: ARRHYTHMOGENIC RIGHT VENTRICULAR DYSPLASIA, FAMILIAL, 5; Arrhythmogenic Right Ventricular Dysplasia/Cardiomyopathy 5. Identifiers: MedGen C1858379, MONDO:0011459, OMIM 604400.
Emery-Dreifuss muscular dystrophy 7, autosomal dominant (EDMD7). Also called: Emery-Dreifuss muscular dystrophy 7, AD. Identifiers: Orphanet 261, MedGen C3553060, MONDO:0013677, OMIM 614302.
Auditory neuropathy, autosomal dominant 3 (AUNA3). Identifiers: MedGen C5676964, MONDO:0859235, OMIM 619832.
Cardiovascular phenotype. Identifiers: MedGen CN230736.
Cardiomyopathy (CMYO). Also called: Cardiomyopathies. Identifiers: Orphanet 167848, MedGen C0878544, MONDO:0004994, HP:0001638. Inheritance: Various modes of inheritance.

Allele frequency attached by ClinVar (database versions not stated): ExAC 0.00005; gnomAD 0.00005; gnomAD exomes 0.00005; TOPMed 0.00006; ESP Exome Variant Server 0.00015.
gnomAD v4.1: 90 of 1,614,064 alleles (0.0056%); highest among the groups gnomAD compares: Non-Finnish European, 0.0075%; no homozygotes.

Submissions (8):

Labcorp Genetics (formerly Invitae), Labcorp
Classification: Uncertain significance for Arrhythmogenic right ventricular dysplasia 5. Last evaluated: 2026-01-02. Review status: criteria provided, single submitter. Criteria: Invitae Variant Classification Sherloc (09022015). Collection method: clinical testing. Allele origin: germline.
Comment: This sequence change replaces histidine, which is basic and polar, with aspartic acid, which is acidic and polar, at codon 227 of the TMEM43 protein (p.His227Asp). The frequency data for this variant in the population databases is considered unreliable, as metrics indicate poor data quality at this position in the gnomAD database. This variant has not been reported in the literature in individuals affected with TMEM43-related conditions. ClinVar contains an entry for this variant (Variation ID: 809431). Invitae Evidence Modeling of protein sequence and biophysical properties (such as structural, functional, and spatial information, amino acid conservation, physicochemical variation, residue mobility, and thermodynamic stability) indicates that this missense variant is expected to disrupt TMEM43 protein function with a positive predictive value of 80%. In summary, the available evidence is currently insufficient to determine the role of this variant in disease. Therefore, it has been classified as a Variant of Uncertain Significance.

Color Diagnostics, LLC DBA Color Health
Classification: Uncertain significance for Cardiomyopathy. Last evaluated: 2025-11-05. Review status: criteria provided, single submitter. Criteria: ACMG Guidelines, 2015. Collection method: clinical testing. Allele origin: germline.
Comment: This missense variant replaces histidine with aspartic acid at codon 227 of the TMEM43 protein. Computational prediction is inconclusive regarding the impact of this variant on protein structure and function. To our knowledge, functional studies have not been reported for this variant. This variant has not been reported in individuals affected with TMEM43-related disorders in the literature. This variant has been identified in 90/1614064 chromosomes in the general population by the Genome Aggregation Database (gnomAD). The available evidence is insufficient to determine the role of this variant in disease conclusively. Therefore, this variant is classified as a Variant of Uncertain Significance.

All of Us Research Program, National Institutes of Health
Classification: Uncertain significance for Arrhythmogenic right ventricular dysplasia 5. Last evaluated: 2024-08-13. Review status: criteria provided, single submitter. Criteria: ACMG Guidelines, 2015. Collection method: clinical testing. Allele origin: germline. Inheritance: Autosomal dominant inheritance. Observed: 27 variant alleles, 27 heterozygotes.
Comment: This missense variant replaces histidine with aspartic acid at codon 227 of the TMEM43 protein. Computational prediction is inconclusive regarding the impact of this variant on protein structure and function (internally defined REVEL score threshold 0.5 < inconclusive < 0.7, PMID: 27666373). To our knowledge, functional studies have not been reported for this variant. This variant has not been reported in individuals affected with TMEM43-related disorders in the literature. This variant has been identified in 13/282672 chromosomes in the general population by the Genome Aggregation Database (gnomAD). The available evidence is insufficient to determine the role of this variant in disease conclusively. Therefore, this variant is classified as a Variant of Uncertain Significance.

This study involves interpretation of variants in research participants for the purpose of population health screening. Participant phenotype was not available at the time of variant classification. Additional details can be found in publication PMID: 35346344, PMCID: PMC8962531

GeneDx
Classification: Uncertain significance. Last evaluated: 2024-04-11. Review status: criteria provided, single submitter. Criteria: GeneDx Variant Classification Process June 2021. Collection method: clinical testing. Allele origin: germline. Affected: yes.
Comment: Has not been previously published as pathogenic or benign to our knowledge; In silico analysis supports that this missense variant has a deleterious effect on protein structure/function

Ambry Genetics
Classification: Likely benign for Cardiovascular phenotype. Last evaluated: 2022-12-06. Review status: criteria provided, single submitter. Criteria: Ambry Variant Classification Scheme 2023. Collection method: clinical testing. Allele origin: germline.

Fulgent Genetics
Classification: Uncertain significance for Arrhythmogenic right ventricular dysplasia 5; Emery-Dreifuss muscular dystrophy 7, autosomal dominant; Auditory neuropathy, autosomal dominant 3. Last evaluated: 2021-07-21. Review status: criteria provided, single submitter. Criteria: ACMG Guidelines, 2015. Collection method: clinical testing. Allele origin: unknown.

CeGaT Center for Human Genetics Tuebingen
Classification: Uncertain significance. Last evaluated: 2019-05-01. Review status: criteria provided, single submitter. Criteria: CeGaT Center For Human Genetics Tuebingen Variant Classification Criteria Version 2. Collection method: clinical testing. Allele origin: germline. Affected: yes. Observed: 1 variant allele.

CHEO Genetics Diagnostic Laboratory, Children's Hospital of Eastern Ontario
Classification: Uncertain significance for Cardiomyopathy. Last evaluated: 2018-02-26. Review status: criteria provided, single submitter. Criteria: ACMG Guidelines, 2015. Collection method: clinical testing. Allele origin: germline.

NM_024334.3(TMEM43):c.679C>G (p.His227Asp)

Gene: TMEM43 (transmembrane protein 43; plus strand). Cytogenetic location: 3p25.1.
Variant type: single nucleotide variant.
Coding change: c.679C>G on transcript NM_024334.3 (MANE Select); coding-DNA position 679, C replaced by G.
Protein change: p.His227Asp; replaces histidine 227 with aspartic acid.
Molecular consequence: missense variant.
Genome position (GRCh38, 1-based): chr3:14,134,865, C>G. VCF-style: chr3-14134865-C-G. GRCh37 (hg19) VCF-style: chr3-14176365-C-G.
Other names: short protein forms H227D.
Identifiers: ClinVar variation 809431 (VCV000809431.62), dbSNP rs201460674, ClinGen allele CA054831.
Genomic context (GRCh38, chr3:14,134,865, plus strand): 5'-AGCCTATCCAAGCTGGAGGACCCTCATGTGGACATCATTCGCCGTGGAGACTTTTTCTAC[C>G]ACAGCGAAAATCCCAAGTATCCAGAGGTGTGCGGAGAGGCCTGGGCTCTCCAAATAGGAG-3'
Protein context (NP_077310.1, residues 217-237): DIIRRGDFFY[His227Asp]SENPKYPEVG